The following is an entry in ClinVar:

NM_007055.4(POLR3A):c.1227A>G (p.Gln409=)

Gene: POLR3A (RNA polymerase III subunit A; minus strand). Cytogenetic location: 10q22.3.
Variant type: single nucleotide variant.
Coding change: c.1227A>G on transcript NM_007055.4 (MANE Select); coding-DNA position 1227, A replaced by G.
Protein change: p.Gln409=; no amino-acid change (glutamine 409 retained).
Molecular consequence: synonymous variant.
Genome position (GRCh38, 1-based): chr10:78,019,224, T>C on the plus strand (A>G on the coding strand, the complement: POLR3A is on the minus strand). VCF-style: chr10-78019224-T-C. GRCh37 (hg19) VCF-style: chr10-79778982-T-C.
Identifiers: ClinVar variation 738327 (VCV000738327.12), dbSNP rs144892779, ClinGen allele CA5571504.
Genomic context (GRCh38, chr10:78,019,224, plus strand): 5'-TTTCATCTGCGTATGTCTCTGCTGAATGAAGTTTGCTCCTGGGTGAACCTCAGGGCCGTT[T>C]TGAACCAGTTTCCTCAAGAAATTGATGTTTGCTTTGTTTACCTGCAGTACAAAAAAACCA-3'
Protein context (NP_008986.2, residues 399-419): ANINFLRKLV[Gln409=]NGPEVHPGAN

ClinVar aggregate classification (germline): Benign/Likely benign. Review status: criteria provided, multiple submitters, no conflicts (2 of 4 stars). 3 submissions from 3 submitters: Benign (1); Likely benign (1). 1 of the submissions does not count toward it. Last evaluated 2026-01-05.

Conditions:
POLR3A-related disorder. Also called: POLR3A-related condition; POLR3A-related disorders. Identifiers: MedGen CN378587, MONDO:0700276.

Allele frequency attached by ClinVar (database versions not stated): gnomAD exomes 0.00010 and 0.00027; ExAC 0.00029; 1000 Genomes Project 0.00060; 1000 Genomes Project 30x 0.00109; gnomAD 0.00113 and 0.00122; TOPMed 0.00120; ESP Exome Variant Server 0.00123.
gnomAD v4.1: 312 of 1,614,094 alleles (0.019%); highest among the groups gnomAD compares: African/African-American, 0.39%; no homozygotes.

Submissions (3):

Labcorp Genetics (formerly Invitae), Labcorp
Classification: Benign. Last evaluated: 2026-01-05. Review status: criteria provided, single submitter. Criteria: Invitae Variant Classification Sherloc (09022015). Collection method: clinical testing. Allele origin: germline.

Blueprint Genetics
Classification: Likely benign. Last evaluated: 2023-06-07. Review status: criteria provided, single submitter. Criteria: ACMG Guidelines, 2015. Collection method: clinical testing. Allele origin: germline.

PreventionGenetics, part of Exact Sciences
Classification: Likely benign for POLR3A-related condition. Last evaluated: 2019-11-26. Review status: no assertion criteria provided. Collection method: clinical testing. Allele origin: germline. Not counted in ClinVar's aggregate classification.
Comment: This variant is classified as likely benign based on ACMG/AMP sequence variant interpretation guidelines (Richards et al. 2015 PMID: 25741868, with internal and published modifications).